The following is an entry in ClinVar:

ClinVar aggregate classification (germline): Likely pathogenic (1 of 4 stars; one submission).

Conditions:
Infantile hypophosphatasia. Identifiers: Orphanet 247651, Orphanet 436, MedGen C0268412, MONDO:1010169, OMIM 241500, MONDO:0009427.

Submission:

Juno Genomics, Hangzhou Juno Genomics, Inc
Classification: Likely pathogenic for Infantile hypophosphatasia. Review status: criteria provided, single submitter. Criteria: ACMG Guidelines, 2015. Collection method: clinical testing. Allele origin: germline. Affected: yes.
Comment: Absent from controls (or at extremely low frequency if recessive) in Genome Aggregation Database, Exome Sequencing Project, 1000 Genomes Project, or Exome Aggregation Consortium.;Multiple lines of computational evidence support a deleterious effect on the gene or gene product (conservation, evolutionary, splicing impact, etc).;Patient's phenotype or family history is highly specific for a disease with a single genetic etiology.;For recessive disorders, detected in trans with a pathogenic variant.

NM_000478.6(ALPL):c.1150A>C (p.Thr384Pro)

Gene: ALPL (alkaline phosphatase, biomineralization associated; plus strand). Cytogenetic location: 1p36.12.
Variant type: single nucleotide variant.
Coding change: c.1150A>C on transcript NM_000478.6 (MANE Select); coding-DNA position 1150, A replaced by C.
Protein change: p.Thr384Pro; replaces threonine 384 with proline.
Molecular consequence: missense variant.
Genome position (GRCh38, 1-based): chr1:21,575,885, A>C. VCF-style: chr1-21575885-A-C. GRCh37 (hg19) VCF-style: chr1-21902378-A-C.
Other names: c.985A>C, p.Thr329Pro (NM_001127501.4); c.919A>C, p.Thr307Pro (NM_001177520.3); c.1150A>C, p.Thr384Pro (NM_001369803.2, NM_001369804.2, NM_001369805.2); short protein forms T307P, T329P, T384P.
Identifiers: ClinVar variation 3383143 (VCV003383143.2).